The following is an entry in ClinVar:

ClinVar aggregate classification (germline): Benign/Likely benign. Review status: criteria provided, multiple submitters, no conflicts (2 of 4 stars). 5 submissions from 5 submitters: Benign (4); Likely benign (1). Last evaluated 2026-02-01.

Conditions:
Long QT syndrome (LQTS). Identifiers: MedGen C0023976, MeSH D008133, MONDO:0002442. Disease mechanism: loss of function. Inheritance: Various modes of inheritance.

Allele frequency attached by ClinVar (database versions not stated): gnomAD exomes 0.00028 and 0.00052; ExAC 0.00085; 1000 Genomes Project 30x 0.00109; 1000 Genomes Project 0.00140; ESP Exome Variant Server 0.00173; gnomAD 0.00220 and 0.00241; TOPMed 0.00263.
gnomAD v4.1: 731 of 1,530,230 alleles (0.048%); highest among the groups gnomAD compares: African/African-American, 0.71%; 3 homozygotes.

Submissions (5):

Labcorp Genetics (formerly Invitae), Labcorp
Classification: Benign for Long QT syndrome. Last evaluated: 2026-02-01. Review status: criteria provided, single submitter. Criteria: Invitae Variant Classification Sherloc (09022015). Collection method: clinical testing. Allele origin: germline.

Blueprint Genetics
Classification: Likely benign. Last evaluated: 2024-11-11. Review status: criteria provided, single submitter. Criteria: ACMG Guidelines, 2015. Collection method: clinical testing. Allele origin: germline.

Women's Health and Genetics/Laboratory Corporation of America, LabCorp
Classification: Benign. Last evaluated: 2021-05-03. Review status: criteria provided, single submitter. Criteria: LabCorp Variant Classification Summary - May 2015. Collection method: clinical testing. Allele origin: germline.
Comment: Variant summary: CACNA1C c.4623+13G>A alters a non-conserved nucleotide located close to a canonical splice site and therefore could affect mRNA splicing, leading to a significantly altered protein sequence. 4/4 computational tools predict no significant impact on normal splicing. However, these predictions have yet to be confirmed by functional studies. The variant allele was found at a frequency of 0.00074 in 230660 control chromosomes, predominantly at a frequency of 0.0065 within the African or African-American subpopulation in the gnomAD database. The observed variant frequency within African or African-American control individuals in the gnomAD database is approximately 650 fold of the estimated maximal expected allele frequency for a pathogenic variant in CACNA1C causing Timothy Syndrome phenotype (1e-05), strongly suggesting that the variant is a benign polymorphism found primarily in populations of African or African-American origin. To our knowledge, no occurrence of c.4623+13G>A in individuals affected with Timothy Syndrome and no experimental evidence demonstrating its impact on protein function have been reported. No clinical diagnostic laboratories have submitted clinical-significance assessments for this variant to ClinVar after 2014. Based on the evidence outlined above, the variant was classified as benign.

GeneDx
Classification: Benign. Last evaluated: 2015-03-03. Review status: criteria provided, single submitter. Criteria: GeneDx Variant Classification Process June 2021. Collection method: clinical testing. Allele origin: germline. Affected: yes.

Breakthrough Genomics
Classification: Benign. Review status: criteria provided, single submitter. Criteria: ACMG Guidelines, 2015. Collection method: not provided. Allele origin: germline. Inheritance: Autosomal dominant inheritance. Affected: yes.

NM_000719.7(CACNA1C):c.4623+13G>A

Gene: CACNA1C (calcium voltage-gated channel subunit alpha1 C; plus strand). Cytogenetic location: 12p13.33.
Variant type: single nucleotide variant.
Coding change: c.4623+13G>A on transcript NM_000719.7 (MANE Select); 13 bases into the intron after coding-DNA position 4623, G replaced by A.
Molecular consequence: intron variant.
Genome position (GRCh38, 1-based): chr12:2,666,795, G>A. VCF-style: chr12-2666795-G-A. GRCh37 (hg19) VCF-style: chr12-2775961-G-A.
Other names: c.4623+13G>A (NM_001167624.3, NM_001167623.2, NM_001129840.2 and 7 more transcripts); c.4590+13G>A (NM_001167625.2, NM_001129837.2, NM_001129838.2 and 1 more transcripts); c.4767+13G>A (NM_199460.4, NM_001129827.2); c.4683+13G>A (NM_001129832.2); c.4707+13G>A (NM_001129831.2); c.4689+13G>A (NM_001129829.2); c.4584+13G>A (NM_001129839.2); c.4674+13G>A (NM_001129836.2); and 1 more.
Identifiers: ClinVar variation 308154 (VCV000308154.13), dbSNP rs111734850, ClinGen allele CA6389568.